The following is an entry in ClinVar:

NM_000271.5(NPC1):c.1009C>T (p.Arg337Trp)

Gene: NPC1 (NPC intracellular cholesterol transporter 1; minus strand). Cytogenetic location: 18q11.2.
Variant type: single nucleotide variant.
Coding change: c.1009C>T on transcript NM_000271.5 (MANE Select); coding-DNA position 1009, C replaced by T.
Protein change: p.Arg337Trp; replaces arginine 337 with tryptophan.
Molecular consequence: missense variant.
Genome position (GRCh38, 1-based): chr18:23,556,560, G>A on the plus strand (C>T on the coding strand, the complement: NPC1 is on the minus strand). VCF-style: chr18-23556560-G-A. GRCh37 (hg19) VCF-style: chr18-21136524-G-A.
Other names: short protein forms R337W.
Identifiers: ClinVar variation 2186405 (VCV002186405.1), dbSNP rs1406484313, ClinGen allele CA401778903.

ClinVar aggregate classification (germline): Uncertain significance (1 of 4 stars; one submission).

Conditions:
Niemann-Pick disease, type C1. Also called: NIEMANN-PICK DISEASE, VARIANT TYPE C1; NEUROVISCERAL STORAGE DISEASE WITH VERTICAL SUPRANUCLEAR OPHTHALMOPLEGIA; NIEMANN-PICK DISEASE WITH CHOLESTEROL ESTERIFICATION BLOCK; NIEMANN-PICK DISEASE WITHOUT SPHINGOMYELINASE DEFICIENCY; NIEMANN-PICK DISEASE, CHRONIC NEURONOPATHIC FORM. Identifiers: Orphanet 646, MedGen C3179455, MONDO:0009757, OMIM 257220.

Allele frequency attached by ClinVar (database versions not stated): gnomAD 0.00001; gnomAD exomes 0.00001.
gnomAD v4.1: 16 of 1,613,948 alleles (0.00099%); highest among the groups gnomAD compares: South Asian, 0.0033%; no homozygotes.

Submission:

Labcorp Genetics (formerly Invitae), Labcorp
Classification: Uncertain significance for Niemann-Pick disease, type C1. Last evaluated: 2021-12-19. Review status: criteria provided, single submitter. Criteria: Invitae Variant Classification Sherloc (09022015). Collection method: clinical testing. Allele origin: germline.
Comment: This sequence change replaces arginine, which is basic and polar, with tryptophan, which is neutral and slightly polar, at codon 337 of the NPC1 protein (p.Arg337Trp). This variant is present in population databases (no rsID available, gnomAD 0.002%). This variant has not been reported in the literature in individuals affected with NPC1-related conditions. Algorithms developed to predict the effect of missense changes on protein structure and function output the following: SIFT: "Tolerated"; PolyPhen-2: "Benign"; Align-GVGD: "Class C0". The tryptophan amino acid residue is found in multiple mammalian species, which suggests that this missense change does not adversely affect protein function. Algorithms developed to predict the effect of sequence changes on RNA splicing suggest that this variant may create or strengthen a splice site. In summary, the available evidence is currently insufficient to determine the role of this variant in disease. Therefore, it has been classified as a Variant of Uncertain Significance.